The following is an entry in ClinVar:

ClinVar aggregate classification (germline): Uncertain significance (1 of 4 stars; one submission).

gnomAD v4.1: 2 of 1,548,712 alleles (0.00013%); highest among the groups gnomAD compares: Non-Finnish European, 0.00017%; no homozygotes.

Submission:

Labcorp Genetics (formerly Invitae), Labcorp
Classification: Uncertain significance. Last evaluated: 2025-11-18. Review status: criteria provided, single submitter. Criteria: Invitae Variant Classification Sherloc (09022015). Collection method: clinical testing. Allele origin: germline.
Comment: This sequence change falls in intron 1 of the IRF2BP2 gene. It does not directly change the encoded amino acid sequence of the IRF2BP2 protein. It affects a nucleotide within the consensus splice site. This variant is not present in population databases (gnomAD no frequency). This variant has not been reported in the literature in individuals affected with IRF2BP2-related conditions. Variants that disrupt the consensus splice site are a relatively common cause of aberrant splicing (PMID: 17576681, 9536098). Algorithms developed to predict the effect of sequence changes on RNA splicing suggest that this variant may disrupt the consensus splice site. In summary, the available evidence is currently insufficient to determine the role of this variant in disease. Therefore, it has been classified as a Variant of Uncertain Significance.

Literature cited by the submitters: PubMed 17576681; PubMed 9536098.

NM_182972.3(IRF2BP2):c.1048+1G>A

Genes: IRF2BP2 (interferon regulatory factor 2 binding protein 2; minus strand), LOC129932810 (ATAC-STARR-seq lymphoblastoid active region 2760; plus strand). Cytogenetic location: 1q42.3.
Variant type: single nucleotide variant.
Coding change: c.1048+1G>A on transcript NM_182972.3 (MANE Select); the canonical splice donor site of the intron after coding-DNA position 1048, G replaced by A.
Molecular consequence: splice donor variant. On other transcripts: intron variant (1).
Genome position (GRCh38, 1-based): chr1:234,608,446, C>T on the plus strand (G>A on the coding strand, the complement: IRF2BP2 is on the minus strand). VCF-style: chr1-234608446-C-T. GRCh37 (hg19) VCF-style: chr1-234744192-C-T.
Other names: c.1000+49G>A (NM_001077397.1).
Identifiers: ClinVar variation 4753878 (VCV004753878.1).
Genomic context (GRCh38, chr1:234,608,446, plus strand): 5'-CTTCCTCTGCTCTCCGTCCCCTTTTCTCCCCTAGACCCCCTCACTTCACAGCCGCCCCTA[C>T]CTGCTTTAGACCCGTTGGCCCCGTTGGCCTCGAAACCCAACAACCTGCCTGCAGTCAGGG-3'